The following is an entry in ClinVar:

NM_001846.4(COL4A2):c.2216C>A (p.Pro739His)

Gene: COL4A2 (collagen type IV alpha 2 chain; plus strand). Cytogenetic location: 13q34.
Variant type: single nucleotide variant.
Coding change: c.2216C>A on transcript NM_001846.4 (MANE Select); coding-DNA position 2216, C replaced by A.
Protein change: p.Pro739His; replaces proline 739 with histidine.
Molecular consequence: missense variant.
Genome position (GRCh38, 1-based): chr13:110,472,941, C>A. VCF-style: chr13-110472941-C-A. GRCh37 (hg19) VCF-style: chr13-111125288-C-A.
Other names: short protein forms P739H.
Identifiers: ClinVar variation 3371830 (VCV003371830.1).

ClinVar aggregate classification (germline): Uncertain significance (1 of 4 stars; one submission).

Submission:

GeneDx
Classification: Uncertain significance. Last evaluated: 2024-04-04. Review status: criteria provided, single submitter. Criteria: GeneDx Variant Classification Process June 2021. Collection method: clinical testing. Allele origin: germline. Affected: yes.
Comment: Not observed at significant frequency in large population cohorts (gnomAD); In silico analysis supports that this missense variant has a deleterious effect on protein structure/function; Has not been previously published as pathogenic or benign to our knowledge